The following is an entry in ClinVar:

ClinVar aggregate classification (germline): Likely benign. Review status: criteria provided, multiple submitters, no conflicts (2 of 4 stars). 2 submissions from 2 submitters: Likely benign (2). Last evaluated 2018-01-13.

Conditions:
Lissencephaly 4 (LIS4). Also called: Lissencephaly 4 (with microcephaly). Identifiers: Orphanet 1083, MedGen C3151461, MONDO:0013527, OMIM 614019.

Allele frequency attached by ClinVar (database versions not stated): TOPMed 0.00124; gnomAD 0.00126 and 0.00111; ExAC 0.00543; ESP Exome Variant Server 0.00098; 1000 Genomes Project 30x 0.00016; 1000 Genomes Project 0.00020; gnomAD exomes 0.00202.

Submissions (2):

Illumina Laboratory Services, Illumina
Classification: Likely benign for Lissencephaly 4. Last evaluated: 2018-01-13. Review status: criteria provided, single submitter. Criteria: ICSL Variant Classification Criteria 13 December 2019. Collection method: clinical testing. Allele origin: germline.
Comment: This variant was observed in the ICSL laboratory as part of a predisposition screen in an ostensibly healthy population. It had not been previously curated by ICSL or reported in the Human Gene Mutation Database (HGMD: prior to June 1st, 2018), and was therefore a candidate for classification through an automated scoring system. Utilizing variant allele frequency, disease prevalence and penetrance estimates, and inheritance mode, an automated score was calculated to assess if this variant is too frequent to cause the disease. Based on the score and internal cut-off values, a variant classified as likely benign is not then subjected to further curation. The score for this variant resulted in a classification of likely benign for this disease.

Breakthrough Genomics
Classification: Likely benign. Review status: criteria provided, single submitter. Criteria: ACMG Guidelines, 2015. Collection method: not provided. Allele origin: germline. Inheritance: Autosomal recessive inheritance. Affected: yes.

NM_001143979.1(NDE1):c.-773G>A

Genes: MIR484 (microRNA 484; plus strand), NDE1 (nudE neurodevelopment protein 1; plus strand). Cytogenetic location: 16p13.11.
Variant type: single nucleotide variant.
Coding change: c.-773G>A on transcript NM_001143979.1; 773 bases upstream of the start codon, G replaced by A.
Molecular consequence: non-coding transcript variant (on NR_030159.1).
Genome position (GRCh38, 1-based): chr16:15,643,320, G>A. VCF-style: chr16-15643320-G-A. GRCh37 (hg19) VCF-style: chr16-15737177-G-A.
Identifiers: ClinVar variation 318016 (VCV000318016.8), dbSNP rs376603273, ClinGen allele CA7920403.